The following is an entry in ClinVar:

NM_032656.4(DHX37):c.278G>T (p.Arg93Leu)

Gene: DHX37 (DEAH-box helicase 37; minus strand). Cytogenetic location: 12q24.31.
Variant type: single nucleotide variant.
Coding change: c.278G>T on transcript NM_032656.4 (MANE Select); coding-DNA position 278, G replaced by T.
Protein change: p.Arg93Leu; replaces arginine 93 with leucine.
Molecular consequence: missense variant.
Genome position (GRCh38, 1-based): chr12:124,982,622, C>A on the plus strand (G>T on the coding strand, the complement: DHX37 is on the minus strand). VCF-style: chr12-124982622-C-A. GRCh37 (hg19) VCF-style: chr12-125467168-C-A.
Other names: short protein forms R93L.
Identifiers: ClinVar variation 2832210 (VCV002832210.3), dbSNP rs575837056, ClinGen allele CA387228332.

ClinVar aggregate classification (germline): Uncertain significance (1 of 4 stars; one submission).

Submission:

Labcorp Genetics (formerly Invitae), Labcorp
Classification: Uncertain significance. Last evaluated: 2023-01-26. Review status: criteria provided, single submitter. Criteria: Invitae Variant Classification Sherloc (09022015). Collection method: clinical testing. Allele origin: germline.
Comment: Algorithms developed to predict the effect of missense changes on protein structure and function are either unavailable or do not agree on the potential impact of this missense change (SIFT: "Deleterious"; PolyPhen-2: "Benign"; Align-GVGD: "Class C0"). Algorithms developed to predict the effect of sequence changes on RNA splicing suggest that this variant may create or strengthen a splice site. In summary, the available evidence is currently insufficient to determine the role of this variant in disease. Therefore, it has been classified as a Variant of Uncertain Significance. This variant has not been reported in the literature in individuals affected with DHX37-related conditions. This sequence change replaces arginine, which is basic and polar, with leucine, which is neutral and non-polar, at codon 93 of the DHX37 protein (p.Arg93Leu). This variant is not present in population databases (gnomAD no frequency).